The following is an entry in ClinVar:

ClinVar aggregate classification (germline): Uncertain significance. Review status: criteria provided, multiple submitters, no conflicts (2 of 4 stars). 3 submissions from 3 submitters: Uncertain significance (2). 1 of the submissions does not count toward it. Last evaluated 2025-06-13.

Conditions:
Nephrotic syndrome. Identifiers: MedGen C0027726, MONDO:0005377, HP:0000100.

Allele frequency attached by ClinVar (database versions not stated): gnomAD 0.00005 and 0.00006; TOPMed 0.00006; ExAC 0.00008; ESP Exome Variant Server 0.00023.
gnomAD v4.1: 205 of 1,611,812 alleles (0.013%); highest among the groups gnomAD compares: Non-Finnish European, 0.016%; no homozygotes.

Submissions (3):

Labcorp Genetics (formerly Invitae), Labcorp
Classification: Uncertain significance. Last evaluated: 2025-06-13. Review status: criteria provided, single submitter. Criteria: Invitae Variant Classification Sherloc (09022015). Collection method: clinical testing. Allele origin: germline.
Comment: This sequence change replaces glutamic acid, which is acidic and polar, with lysine, which is basic and polar, at codon 783 of the ANLN protein (p.Glu783Lys). This variant is present in population databases (rs374099285, gnomAD 0.01%). This variant has not been reported in the literature in individuals affected with ANLN-related conditions. ClinVar contains an entry for this variant (Variation ID: 988213). Invitae Evidence Modeling of protein sequence and biophysical properties (such as structural, functional, and spatial information, amino acid conservation, physicochemical variation, residue mobility, and thermodynamic stability) indicates that this missense variant is not expected to disrupt ANLN protein function with a negative predictive value of 80%. In summary, the available evidence is currently insufficient to determine the role of this variant in disease. Therefore, it has been classified as a Variant of Uncertain Significance.

Ambry Genetics
Classification: Uncertain significance. Last evaluated: 2024-08-10. Review status: criteria provided, single submitter. Criteria: Ambry Variant Classification Scheme 2023. Collection method: clinical testing. Allele origin: germline.

Sydney Genome Diagnostics, Children's Hospital Westmead
Classification: Uncertain significance for Nephrotic syndrome. Last evaluated: 2019-01-10. Review status: no assertion criteria provided. Collection method: clinical testing. Allele origin: unknown. Affected: yes. Observed: 1 variant allele, 1 heterozygote. Not counted in ClinVar's aggregate classification.
Comment: To our knowledge, this variant has not been previously reported in the literature or any disease specific databases to be a disease causing variant. This variant has been reported in the gnomAD browser with a very low allele frequency of 0.006% (16 out of 280, 448 alleles). In silico analysis of pathogenicity (through Alamut Visual v2.8.1) using PolyPhen2, SIFT and MutationTaster all suggest that this variant is likely to be pathogenic. However, this analysis alone cannot be used to confirm pathogenicity. This variant is considered to be a variant of uncertain clinical significance (VOUS) according to the ACMG guidelines. (Evidence used: PM2, PP3)

NM_018685.5(ANLN):c.2347G>A (p.Glu783Lys)

Gene: ANLN (anillin, actin binding protein; plus strand). Cytogenetic location: 7p14.2.
Variant type: single nucleotide variant.
Coding change: c.2347G>A on transcript NM_018685.5 (MANE Select); coding-DNA position 2347, G replaced by A.
Protein change: p.Glu783Lys; replaces glutamic acid 783 with lysine.
Molecular consequence: missense variant.
Genome position (GRCh38, 1-based): chr7:36,422,680, G>A. VCF-style: chr7-36422680-G-A. GRCh37 (hg19) VCF-style: chr7-36462289-G-A.
Other names: c.2347G>A (NM_018685.2); c.2236G>A, p.Glu746Lys (NM_001284301.3); c.2233G>A, p.Glu745Lys (NM_001284302.3); short protein forms E745K, E746K, E783K.
Identifiers: ClinVar variation 988213 (VCV000988213.10), dbSNP rs374099285, ClinGen allele CA4219844.
Genomic context (GRCh38, chr7:36,422,680, plus strand): 5'-TTGTTTTACATAGCTGGGAAGAGAACACTTTTGATTGATGAATTGAATAAATTGAAGAAC[G>A]AAGGACCTCAGAGGAAGAATAAGGCTAGTCCCCAAAGTGAATTTATGCCATCCAAAGGAT-3'
Protein context (NP_061155.2, residues 773-793): LIDELNKLKN[Glu783Lys]GPQRKNKASP